The following is an entry in ClinVar:

NM_001457.4(FLNB):c.2720C>T (p.Thr907Met)

Gene: FLNB (filamin B; plus strand). Cytogenetic location: 3p14.3.
Variant type: single nucleotide variant.
Coding change: c.2720C>T on transcript NM_001457.4 (MANE Select); coding-DNA position 2720, C replaced by T.
Protein change: p.Thr907Met; replaces threonine 907 with methionine.
Molecular consequence: missense variant.
Genome position (GRCh38, 1-based): chr3:58,112,293, C>T. VCF-style: chr3-58112293-C-T. GRCh37 (hg19) VCF-style: chr3-58098020-C-T.
Other names: c.2720C>T (NM_001457.3); c.2720C>T, p.Thr907Met (NM_001164319.2, NM_001164317.2, NM_001164318.2); short protein forms T907M.
Identifiers: ClinVar variation 2964994 (VCV002964994.4), dbSNP rs1278734962, ClinGen allele CA353346048.

ClinVar aggregate classification (germline): Uncertain significance. Review status: criteria provided, multiple submitters, no conflicts (2 of 4 stars). 2 submissions from 2 submitters: Uncertain significance (2). Last evaluated 2025-01-08.

Conditions:
Inborn genetic diseases. Identifiers: MedGen C0950123, MeSH D030342.

Allele frequency attached by ClinVar (database versions not stated): TOPMed 0.00003.
gnomAD v4.1: 116 of 1,613,660 alleles (0.0072%); highest among the groups gnomAD compares: East Asian, 0.038%; no homozygotes.

Submissions (2):

Labcorp Genetics (formerly Invitae), Labcorp
Classification: Uncertain significance. Last evaluated: 2025-01-08. Review status: criteria provided, single submitter. Criteria: Invitae Variant Classification Sherloc (09022015). Collection method: clinical testing. Allele origin: germline.
Comment: This sequence change replaces threonine, which is neutral and polar, with methionine, which is neutral and non-polar, at codon 907 of the FLNB protein (p.Thr907Met). This variant is present in population databases (no rsID available, gnomAD 0.005%). This variant has not been reported in the literature in individuals affected with FLNB-related conditions. ClinVar contains an entry for this variant (Variation ID: 2964994). Invitae Evidence Modeling of protein sequence and biophysical properties (such as structural, functional, and spatial information, amino acid conservation, physicochemical variation, residue mobility, and thermodynamic stability) indicates that this missense variant is not expected to disrupt FLNB protein function with a negative predictive value of 95%. In summary, the available evidence is currently insufficient to determine the role of this variant in disease. Therefore, it has been classified as a Variant of Uncertain Significance.

Ambry Genetics
Classification: Uncertain significance for Inborn genetic diseases. Last evaluated: 2024-08-01. Review status: criteria provided, single submitter. Criteria: Ambry Variant Classification Scheme 2023. Collection method: clinical testing. Allele origin: germline.